The following is an entry in ClinVar:

ClinVar aggregate classification (germline): Uncertain significance (1 of 4 stars; one submission).

Submission:

GeneDx
Classification: Uncertain significance. Last evaluated: 2021-04-14. Review status: criteria provided, single submitter. Criteria: GeneDx Variant Classification Process June 2021. Collection method: clinical testing. Allele origin: germline. Affected: yes.
Comment: Not observed in large population cohorts (Lek et al., 2016); In silico analysis supports that this missense variant has a deleterious effect on protein structure/function; Has not been previously published as pathogenic or benign to our knowledge

NM_001297595.2(SIN3B):c.2260C>T (p.Arg754Cys)

Gene: SIN3B (SIN3 transcription regulator family member B; plus strand). Cytogenetic location: 19p13.11.
Variant type: single nucleotide variant.
Coding change: c.2260C>T on transcript NM_001297595.2 (MANE Select); coding-DNA position 2260, C replaced by T.
Protein change: p.Arg754Cys; replaces arginine 754 with cysteine.
Molecular consequence: missense variant.
Genome position (GRCh38, 1-based): chr19:16,869,913, C>T. VCF-style: chr19-16869913-C-T. GRCh37 (hg19) VCF-style: chr19-16980724-C-T.
Other names: c.1030C>T, p.Arg344Cys (NM_001297597.2); c.2356C>T, p.Arg786Cys (NM_015260.4); short protein forms R344C, R754C, R786C.
Identifiers: ClinVar variation 1326073 (VCV001326073.2), dbSNP rs2144621281, ClinGen allele CA404644079.